The following is an entry in ClinVar:

ClinVar aggregate classification (germline): Uncertain significance (1 of 4 stars; one submission).

Submission:

Labcorp Genetics (formerly Invitae), Labcorp
Classification: Uncertain significance. Last evaluated: 2023-10-24. Review status: criteria provided, single submitter. Criteria: Invitae Variant Classification Sherloc (09022015). Collection method: clinical testing. Allele origin: germline.
Comment: This sequence change replaces histidine, which is basic and polar, with tyrosine, which is neutral and polar, at codon 315 of the ABRAXAS1 protein (p.His315Tyr). This variant is not present in population databases (gnomAD no frequency). This variant has not been reported in the literature in individuals affected with ABRAXAS1-related conditions. Advanced modeling of protein sequence and biophysical properties (such as structural, functional, and spatial information, amino acid conservation, physicochemical variation, residue mobility, and thermodynamic stability) performed at Invitae indicates that this missense variant is expected to disrupt ABRAXAS1 protein function with a positive predictive value of 80%. In summary, the available evidence is currently insufficient to determine the role of this variant in disease. Therefore, it has been classified as a Variant of Uncertain Significance.

NM_139076.3(ABRAXAS1):c.943C>T (p.His315Tyr)

Gene: ABRAXAS1 (abraxas 1, BRCA1 A complex subunit; minus strand). Cytogenetic location: 4q21.23.
Variant type: single nucleotide variant.
Coding change: c.943C>T on transcript NM_139076.3 (MANE Select); coding-DNA position 943, C replaced by T.
Protein change: p.His315Tyr; replaces histidine 315 with tyrosine.
Molecular consequence: missense variant.
Genome position (GRCh38, 1-based): chr4:83,462,756, G>A on the plus strand (C>T on the coding strand, the complement: ABRAXAS1 is on the minus strand). VCF-style: chr4-83462756-G-A. GRCh37 (hg19) VCF-style: chr4-84383909-G-A.
Other names: c.616C>T, p.His206Tyr (NM_001345962.2); short protein forms H206Y, H315Y.
Identifiers: ClinVar variation 2996384 (VCV002996384.3), dbSNP rs2529419014, ClinGen allele CA357255837.
Genomic context (GRCh38, chr4:83,462,756, plus strand): 5'-CTTCAGGAATGTCAGTGTGTTCTACCATTAAGGTCAGATTGTCTACTACATCGAGATGGT[G>A]GTTGTAGTTACAGCTACTTTTAGAAACATGTCTATTTTTTAAAGACATAACACATGAATG-3'
Protein context (NP_620775.2, residues 305-325): HVSKSSCNYN[His315Tyr]HLDVVDNLTL